The following is an entry in ClinVar:

NM_004655.4(AXIN2):c.2273C>T (p.Ala758Val)

Gene: AXIN2 (axin 2; minus strand). Cytogenetic location: 17q24.1.
Variant type: single nucleotide variant.
Coding change: c.2273C>T on transcript NM_004655.4 (MANE Select); coding-DNA position 2273, C replaced by T.
Protein change: p.Ala758Val; replaces alanine 758 with valine.
Molecular consequence: missense variant.
Genome position (GRCh38, 1-based): chr17:65,534,044, G>A on the plus strand (C>T on the coding strand, the complement: AXIN2 is on the minus strand). VCF-style: chr17-65534044-G-A. GRCh37 (hg19) VCF-style: chr17-63530162-G-A.
Other names: c.2273C>T (LRG_296t1); c.2078C>T, p.Ala693Val (NM_001363813.1); short protein forms A758V, A693V.
Identifiers: ClinVar variation 240012 (VCV000240012.17), dbSNP rs777885192, ClinGen allele CA8718331.

ClinVar aggregate classification (germline): Conflicting classifications of pathogenicity. Review status: criteria provided, conflicting classifications (1 of 4 stars). 5 submissions from 5 submitters: Uncertain significance (4); Likely benign (1). Last evaluated 2026-09-14.

Conditions:
AXIN2-related disorder.
Hereditary cancer-predisposing syndrome. Also called: Neoplastic Syndromes, Hereditary; Hereditary neoplastic syndrome; Hereditary Cancer Syndrome; Tumor predisposition. Identifiers: Orphanet 140162, MedGen C0027672, MeSH D009386, MONDO:0015356.
Oligodontia-cancer predisposition syndrome. Also called: TOOTH AGENESIS-COLORECTAL CANCER SYNDROME. Identifiers: Orphanet 300576, MedGen C1837750, MONDO:0012075, OMIM 608615. Disease mechanism: loss of function.

Allele frequency attached by ClinVar (database versions not stated): ExAC 0.00001; gnomAD exomes 0.00001; TOPMed 0.00001.
gnomAD v4.1: 16 of 1,614,218 alleles (0.00099%); highest among the groups gnomAD compares: East Asian, 0.016%; no homozygotes.

Submissions (5):

PreventionGenetics, part of Exact Sciences
Classification: Uncertain significance for AXIN2-related condition. Last evaluated: 2026-09-14. Review status: criteria provided, single submitter. Criteria: ACMG Guidelines, 2015. Collection method: clinical testing. Allele origin: germline.
Comment: The AXIN2 c.2273C>T variant is predicted to result in the amino acid substitution p.Ala758Val. To our knowledge, this variant has not been reported in the literature. This variant is reported in 0.0018% of alleles in individuals of European (Non-Finnish) descent in gnomAD, and has conflicting interpretations in ClinVar, ranging from likely benign to uncertain (Variation ID: 240012). At this time, the clinical significance of this variant is uncertain due to the absence of conclusive functional and genetic evidence.

Labcorp Genetics (formerly Invitae), Labcorp
Classification: Uncertain significance for Oligodontia-cancer predisposition syndrome. Last evaluated: 2025-11-09. Review status: criteria provided, single submitter. Criteria: Invitae Variant Classification Sherloc (09022015). Collection method: clinical testing. Allele origin: germline.
Comment: This sequence change replaces alanine, which is neutral and non-polar, with valine, which is neutral and non-polar, at codon 758 of the AXIN2 protein (p.Ala758Val). This variant is present in population databases (rs777885192, gnomAD 0.002%). This variant has not been reported in the literature in individuals affected with AXIN2-related conditions. ClinVar contains an entry for this variant (Variation ID: 240012). Invitae Evidence Modeling of protein sequence and biophysical properties (such as structural, functional, and spatial information, amino acid conservation, physicochemical variation, residue mobility, and thermodynamic stability) indicates that this missense variant is not expected to disrupt AXIN2 protein function with a negative predictive value of 80%. In summary, the available evidence is currently insufficient to determine the role of this variant in disease. Therefore, it has been classified as a Variant of Uncertain Significance.

Ambry Genetics
Classification: Likely benign for Hereditary cancer-predisposing syndrome. Last evaluated: 2024-05-14. Review status: criteria provided, single submitter. Criteria: Ambry Variant Classification Scheme 2023. Collection method: clinical testing. Allele origin: germline.

Quest Diagnostics Nichols Institute San Juan Capistrano
Classification: Uncertain significance. Last evaluated: 2023-03-10. Review status: criteria provided, single submitter. Criteria: Quest Diagnostics criteria. Collection method: clinical testing. Allele origin: unknown.
Comment: To the best of our knowledge, the variant has not been reported in individuals with AXIN2-related conditions in the published literature. The frequency of this variant in the general population, 0.000008 (2/251490 chromosomes), is uninformative in assessment of its pathogenicity. Analysis of this variant using bioinformatics tools for the prediction of the effect of amino acid changes on protein structure and function yielded predictions that this variant is benign. Based on the available information, we are unable to determine the clinical significance of this variant.

GeneDx
Classification: Uncertain significance. Last evaluated: 2019-10-28. Review status: criteria provided, single submitter. Criteria: GeneDx Variant Classification Process June 2021. Collection method: clinical testing. Allele origin: germline. Affected: yes.
Comment: Not observed at a significant frequency in large population cohorts (Lek 2016); In silico analysis, which includes protein predictors and evolutionary conservation, supports that this variant does not alter protein structure/function; Has not been previously published as pathogenic or benign to our knowledge